The following is an entry in ClinVar:

ClinVar aggregate classification (germline): Uncertain significance. Review status: criteria provided, multiple submitters, no conflicts (2 of 4 stars). 2 submissions from 2 submitters: Uncertain significance (2). Last evaluated 2025-11-10.

Conditions:
DICER1-related tumor predisposition. Also called: DICER1 syndrome; DICER1-related pleuropulmonary blastoma cancer predisposition syndrome. Identifiers: Orphanet 284343, MedGen C3839822, MONDO:0100216.
Hereditary cancer-predisposing syndrome. Also called: Hereditary neoplastic syndrome; Neoplastic Syndromes, Hereditary; Tumor predisposition; Hereditary Cancer Syndrome. Identifiers: Orphanet 140162, MedGen C0027672, MeSH D009386, MONDO:0015356.

Allele frequency attached by ClinVar (database versions not stated): gnomAD exomes below 0.00001; ExAC 0.00001.
gnomAD v4.1: 3 of 1,614,244 alleles (0.00019%); highest among the groups gnomAD compares: Admixed American, 0.0017%; no homozygotes.

Submissions (2):

Labcorp Genetics (formerly Invitae), Labcorp
Classification: Uncertain significance for DICER1-related tumor predisposition. Last evaluated: 2025-11-10. Review status: criteria provided, single submitter. Criteria: Invitae Variant Classification Sherloc (09022015). Collection method: clinical testing. Allele origin: germline.
Comment: This sequence change replaces lysine, which is basic and polar, with glutamine, which is neutral and polar, at codon 1485 of the DICER1 protein (p.Lys1485Gln). This variant is not present in population databases (gnomAD no frequency). This variant has not been reported in the literature in individuals affected with DICER1-related conditions. ClinVar contains an entry for this variant (Variation ID: 1026555). Invitae Evidence Modeling of protein sequence and biophysical properties (such as structural, functional, and spatial information, amino acid conservation, physicochemical variation, residue mobility, and thermodynamic stability) indicates that this missense variant is not expected to disrupt DICER1 protein function with a negative predictive value of 95%. In summary, the available evidence is currently insufficient to determine the role of this variant in disease. Therefore, it has been classified as a Variant of Uncertain Significance.

Ambry Genetics
Classification: Uncertain significance for Hereditary cancer-predisposing syndrome. Last evaluated: 2023-05-23. Review status: criteria provided, single submitter. Criteria: Ambry Variant Classification Scheme 2023. Collection method: clinical testing. Allele origin: germline.
Comment: The p.K1485Q variant (also known as c.4453A>C), located in coding exon 22 of the DICER1 gene, results from an A to C substitution at nucleotide position 4453. The lysine at codon 1485 is replaced by glutamine, an amino acid with similar properties. This amino acid position is conserved. In addition, the in silico prediction for this alteration is inconclusive. Since supporting evidence is limited at this time, the clinical significance of this alteration remains unclear.

NM_177438.3(DICER1):c.4453A>C (p.Lys1485Gln)

Gene: DICER1 (dicer 1, ribonuclease III; minus strand). Cytogenetic location: 14q32.13.
Variant type: single nucleotide variant.
Coding change: c.4453A>C on transcript NM_177438.3 (MANE Select); coding-DNA position 4453, A replaced by C.
Protein change: p.Lys1485Gln; replaces lysine 1485 with glutamine.
Molecular consequence: missense variant.
Genome position (GRCh38, 1-based): chr14:95,096,467, T>G on the plus strand (A>C on the coding strand, the complement: DICER1 is on the minus strand). VCF-style: chr14-95096467-T-G. GRCh37 (hg19) VCF-style: chr14-95562804-T-G.
Other names: c.4453A>C, p.Lys1485Gln (NM_001195573.1, NM_001271282.3, NM_001291628.2 and 1 more transcripts); c.4453A>C (NM_177438.2); short protein forms K1485Q.
Identifiers: ClinVar variation 1026555 (VCV001026555.9), dbSNP rs772462662, ClinGen allele CA7330842.
Genomic context (GRCh38, chr14:95,096,467, plus strand): 5'-AGCTGTAGTCAAAATCCTCAAAATCTGATGAAAATGGCATACTACCTAAGGAGGATTTTT[T>G]GGGCATTTTCCATTCATATGCAGAATCAGTGGTTGAAAAAGGAGAAAGAGAGATTTTCTT-3'
Protein context (NP_803187.1, residues 1475-1495): TDSAYEWKMP[Lys1485Gln]KSSLGSMPFS